The following is an entry in ClinVar:

NM_001291303.3(FAT4):c.8083A>G (p.Met2695Val)

Gene: FAT4 (FAT atypical cadherin 4; plus strand). Cytogenetic location: 4q28.1.
Variant type: single nucleotide variant.
Coding change: c.8083A>G on transcript NM_001291303.3 (MANE Select); coding-DNA position 8083, A replaced by G.
Protein change: p.Met2695Val; replaces methionine 2695 with valine.
Molecular consequence: missense variant.
Genome position (GRCh38, 1-based): chr4:125,449,093, A>G. VCF-style: chr4-125449093-A-G. GRCh37 (hg19) VCF-style: chr4-126370248-A-G.
Other names: c.8083A>G, p.Met2695Val (NM_001291285.3); c.8077A>G, p.Met2693Val (NM_024582.6); short protein forms M2695V, M2693V.
Identifiers: ClinVar variation 1922547 (VCV001922547.3), dbSNP rs908442275, ClinGen allele CA104881128.
Genomic context (GRCh38, chr4:125,449,093, plus strand): 5'-CCATTTATATCTGAAATATTGGAAAACCTTTCCCCTCGAAAAATACTTACTGTTTCGGCA[A>G]TGGACAAGGACAGTGGACCCAATGGACAGTTAGATTATGAAATTGTTAATGGCAACATGG-3'
Protein context (NP_001278232.1, residues 2685-2705): SPRKILTVSA[Met2695Val]DKDSGPNGQL

ClinVar aggregate classification (germline): Uncertain significance (1 of 4 stars; one submission).

Allele frequency attached by ClinVar (database versions not stated): gnomAD exomes below 0.00001; TOPMed 0.00001; gnomAD 0.00002.
gnomAD v4.1: 7 of 1,613,858 alleles (0.00043%); highest among the groups gnomAD compares: Admixed American, 0.0067%; no homozygotes.

Submission:

Labcorp Genetics (formerly Invitae), Labcorp
Classification: Uncertain significance. Last evaluated: 2022-08-04. Review status: criteria provided, single submitter. Criteria: Invitae Variant Classification Sherloc (09022015). Collection method: clinical testing. Allele origin: germline.
Comment: In summary, the available evidence is currently insufficient to determine the role of this variant in disease. Therefore, it has been classified as a Variant of Uncertain Significance. Advanced modeling of protein sequence and biophysical properties (such as structural, functional, and spatial information, amino acid conservation, physicochemical variation, residue mobility, and thermodynamic stability) performed at Invitae indicates that this missense variant is not expected to disrupt FAT4 protein function. This variant has not been reported in the literature in individuals affected with FAT4-related conditions. This variant is present in population databases (no rsID available, gnomAD 0.006%). This sequence change replaces methionine, which is neutral and non-polar, with valine, which is neutral and non-polar, at codon 2693 of the FAT4 protein (p.Met2693Val).